The following is an entry in ClinVar:

NM_001142800.2(EYS):c.847_848insTGATCGTCGTGCTG (p.Asp283fs)

Gene: EYS (EGF-like photoreceptor maintenance factor; minus strand). Cytogenetic location: 6q12.
Variant type: Insertion.
Coding change: c.847_848insTGATCGTCGTGCTG on transcript NM_001142800.2 (MANE Select); coding-DNA positions 847 to 848, TGATCGTCGTGCTG inserted.
Protein change: p.Asp283fs; shifts the reading frame from aspartic acid 283.
Molecular consequence: frameshift variant.
Genome position: GRCh38 VCF-style: chr6-65490608-T-TCAGCACGACGATCA. GRCh37 (hg19) VCF-style: chr6-66200501-T-TCAGCACGACGATCA.
Other names: c.847_848insTGATCGTCGTGCTG, p.Asp283fs (NM_001142801.2, NM_001292009.2, NM_198283.2); short protein forms D283fs.
Identifiers: ClinVar variation 5010462 (VCV005010462.1).

ClinVar aggregate classification (germline): Pathogenic (1 of 4 stars; one submission).

Conditions:
Retinitis pigmentosa 25 (RP25). Identifiers: Orphanet 791, MedGen C1864446, MONDO:0011272, OMIM 602772.

Submission:

Myriad Genetics, Inc.
Classification: Pathogenic for Retinitis pigmentosa 25. Last evaluated: 2024-05-14. Review status: criteria provided, single submitter. Criteria: Myriad Autosomal Dominant, Autosomal Recessive and X-Linked Classification Criteria (2023). Collection method: clinical testing. Allele origin: unknown.
Comment: NM_001142800.1(EYS):c.847_848ins14(D283Vfs*61) is expected to be pathogenic in the context of retinitis pigmentosa, EYS-related. This variant is predicted to lead to an abnormal or absent protein product due to the creation of a premature termination codon in EYS, a gene where loss-of-function variants are known to be pathogenic. Please note: this variant was assessed in the context of healthy population screening.